The following is an entry in ClinVar:

ClinVar aggregate classification (germline): Likely pathogenic (1 of 4 stars; one submission).

Submission:

Labcorp Genetics (formerly Invitae), Labcorp
Classification: Likely pathogenic. Last evaluated: 2024-06-28. Review status: criteria provided, single submitter. Criteria: Invitae Variant Classification Sherloc (09022015). Collection method: clinical testing. Allele origin: germline.
Comment: This sequence change replaces proline, which is neutral and non-polar, with leucine, which is neutral and non-polar, at codon 414 of the RORB protein (p.Pro414Leu). This variant is not present in population databases (gnomAD no frequency). This missense change has been observed in individual(s) with clinical features of RORB-related conditions (Invitae). In at least one individual the variant was observed to be de novo. ClinVar contains an entry for this variant (Variation ID: 1396998). An algorithm developed to predict the effect of missense changes on protein structure and function (PolyPhen-2) suggests that this variant is likely to be tolerated. In summary, the currently available evidence indicates that the variant is pathogenic, but additional data are needed to prove that conclusively. Therefore, this variant has been classified as Likely Pathogenic.

NM_006914.4(RORB):c.1241C>T (p.Pro414Leu)

Gene: RORB (RAR related orphan receptor B; plus strand). Cytogenetic location: 9q21.13.
Variant type: single nucleotide variant.
Coding change: c.1241C>T on transcript NM_006914.4 (MANE Select); coding-DNA position 1241, C replaced by T.
Protein change: p.Pro414Leu; replaces proline 414 with leucine.
Molecular consequence: missense variant.
Genome position (GRCh38, 1-based): chr9:74,685,479, C>T. VCF-style: chr9-74685479-C-T. GRCh37 (hg19) VCF-style: chr9-77300395-C-T.
Other names: c.1274C>T, p.Pro425Leu (NM_001365023.1); short protein forms P414L, P425L.
Identifiers: ClinVar variation 1396998 (VCV001396998.6), dbSNP rs2118583363, ClinGen allele CA373772457.